The following is an entry in ClinVar:

NM_001101.5(ACTB):c.985-43_993dup

Gene: ACTB (actin beta; minus strand). Cytogenetic location: 7p22.1.
Variant type: Duplication.
Coding change: c.985-43_993dup on transcript NM_001101.5 (MANE Select); 43 bases into the intron before coding-DNA position 985 through coding-DNA position 993, 52 bases duplicated.
Molecular consequence: splice acceptor variant.
Genome position (GRCh38, 1-based): chr7:5,527,883-5,527,934, 52 bases duplicated. GRCh37 (hg19): chr7:5,567,517-5,567,568.
Identifiers: ClinVar variation 1800651 (VCV001800651.1), dbSNP rs2533846039, ClinGen allele CA2544226187.

ClinVar aggregate classification (germline): Uncertain significance (1 of 4 stars; one submission).

Submission:

GeneDx
Classification: Uncertain significance. Last evaluated: 2022-05-18. Review status: criteria provided, single submitter. Criteria: GeneDx Variant Classification Process June 2021. Collection method: clinical testing. Allele origin: germline. Affected: yes.
Comment: Not observed at significant frequency in large population cohorts (gnomAD); In-silico analysis is inconclusive as to whether the variant alters gene splicing. In the absence of RNA/functional studies, the actual effect of this sequence change is unknown.; Has not been previously published as pathogenic or benign to our knowledge